The following is an entry in ClinVar:

ClinVar aggregate classification (germline): Pathogenic (1 of 4 stars; one submission).

Conditions:
Acyl-CoA dehydrogenase 9 deficiency. Also called: Acyl-CoA dehydrogenase family, member 9, deficiency of; MITOCHONDRIAL COMPLEX I DEFICIENCY, NUCLEAR TYPE 20. Identifiers: Orphanet 99901, MedGen C4747517, MONDO:0012624, OMIM 611126.

gnomAD v4.1: 7 of 1,614,010 alleles (0.00043%); highest among the groups gnomAD compares: Non-Finnish European, 0.00059%; no homozygotes.

Submission:

Baylor Genetics
Classification: Pathogenic for Acyl-CoA dehydrogenase 9 deficiency. Last evaluated: 2020-10-01. Review status: criteria provided, single submitter. Criteria: ACMG Guidelines, 2015. Collection method: clinical testing. Allele origin: unknown. Affected: yes.
Comment: This variant was determined to be pathogenic according to ACMG Guidelines, 2015 [PMID:25741868].

NM_014049.5(ACAD9):c.1278+1G>A

Gene: ACAD9 (acyl-CoA dehydrogenase family member 9; plus strand). Cytogenetic location: 3q21.3.
Variant type: single nucleotide variant.
Coding change: c.1278+1G>A on transcript NM_014049.5 (MANE Select); the canonical splice donor site of the intron after coding-DNA position 1278, G replaced by A.
Molecular consequence: splice donor variant.
Genome position (GRCh38, 1-based): chr3:128,906,250, G>A. VCF-style: chr3-128906250-G-A. GRCh37 (hg19) VCF-style: chr3-128625093-G-A.
Other names: c.909+1G>A (NM_001410805.1).
Identifiers: ClinVar variation 1031232 (VCV001031232.1), dbSNP rs766305690, ClinGen allele CA2601452.